The following is an entry in ClinVar:

NM_006946.4(SPTBN2):c.6242G>A (p.Arg2081Gln)

Gene: SPTBN2 (spectrin beta, non-erythrocytic 2; minus strand). Cytogenetic location: 11q13.2.
Variant type: single nucleotide variant.
Coding change: c.6242G>A on transcript NM_006946.4 (MANE Select); coding-DNA position 6242, G replaced by A.
Protein change: p.Arg2081Gln; replaces arginine 2081 with glutamine.
Molecular consequence: missense variant.
Genome position (GRCh38, 1-based): chr11:66,688,301, C>T on the plus strand (G>A on the coding strand, the complement: SPTBN2 is on the minus strand). VCF-style: chr11-66688301-C-T. GRCh37 (hg19) VCF-style: chr11-66455772-C-T.
Other names: p.Arg2081Gln; c.6242G>A (NM_006946.3); short protein forms R2081Q.
Identifiers: ClinVar variation 305538 (VCV000305538.22), dbSNP rs764407421, ClinGen allele CA6128006.

ClinVar aggregate classification (germline): Conflicting classifications of pathogenicity. Review status: criteria provided, conflicting classifications (1 of 4 stars). 4 submissions from 4 submitters: Uncertain significance (2); Likely benign (2). Last evaluated 2025-06-12.

Conditions:
Inborn genetic diseases. Identifiers: MedGen C0950123, MeSH D030342.

Allele frequency attached by ClinVar (database versions not stated): gnomAD 0.00023 and 0.00028; TOPMed 0.00040; gnomAD exomes 0.00013; ExAC 0.00020.
gnomAD v4.1: 445 of 1,594,780 alleles (0.028%); highest among the groups gnomAD compares: Admixed American, 0.06%; no homozygotes.

Submissions (4):

Mayo Clinic Laboratories, Mayo Clinic
Classification: Uncertain significance. Last evaluated: 2025-06-12. Review status: criteria provided, single submitter. Criteria: ACMG Guidelines, 2015. Collection method: clinical testing. Allele origin: germline. Observed: 1 variant allele.
Comment: BP4_moderate

Labcorp Genetics (formerly Invitae), Labcorp
Classification: Likely benign. Last evaluated: 2025-03-06. Review status: criteria provided, single submitter. Criteria: Invitae Variant Classification Sherloc (09022015). Collection method: clinical testing. Allele origin: germline.

Ambry Genetics
Classification: Likely benign for Inborn genetic diseases. Last evaluated: 2023-03-17. Review status: criteria provided, single submitter. Criteria: Ambry Variant Classification Scheme 2023. Collection method: clinical testing. Allele origin: germline.

GeneDx
Classification: Uncertain significance. Last evaluated: 2019-09-27. Review status: criteria provided, single submitter. Criteria: GeneDx Variant Classification Process June 2021. Collection method: clinical testing. Allele origin: germline. Affected: yes.
Comment: In silico analysis, which includes protein predictors and evolutionary conservation, supports that this variant does not alter protein structure/function; Has not been previously published as pathogenic or benign to our knowledge